The following is an entry in ClinVar:

NM_032043.3(BRIP1):c.1140+6T>C

Gene: BRIP1 (BRCA1 interacting DNA helicase 1; minus strand). Cytogenetic location: 17q23.2.
Variant type: single nucleotide variant.
Coding change: c.1140+6T>C on transcript NM_032043.3 (MANE Select); 6 bases into the intron after coding-DNA position 1140, T replaced by C.
Molecular consequence: intron variant.
Genome position (GRCh38, 1-based): chr17:61,801,247, A>G on the plus strand (T>C on the coding strand, the complement: BRIP1 is on the minus strand). VCF-style: chr17-61801247-A-G. GRCh37 (hg19) VCF-style: chr17-59878608-A-G.
Identifiers: ClinVar variation 1730969 (VCV001730969.3), dbSNP rs2145330960, ClinGen allele CA2580094518.
Genomic context (GRCh38, chr17:61,801,247, plus strand): 5'-TTTTACATTCAACATTTACATCTCCATGAGTAGGAAGAAGGTTCTCATTTTTACACATAT[A>G]CTCACACTTTCCCTTATTTGTGCATCTAGAAGATAGTTGTAGGGACAAAATATGATGTCA-3'

ClinVar aggregate classification (germline): Likely pathogenic (1 of 4 stars; one submission).

Conditions:
Hereditary cancer-predisposing syndrome. Also called: Neoplastic Syndromes, Hereditary; Tumor predisposition; Hereditary Cancer Syndrome; Hereditary neoplastic syndrome. Identifiers: Orphanet 140162, MedGen C0027672, MeSH D009386, MONDO:0015356.

Submission:

Ambry Genetics
Classification: Likely pathogenic for Hereditary cancer-predisposing syndrome. Last evaluated: 2024-06-06. Review status: criteria provided, single submitter. Criteria: Ambry Variant Classification Scheme 2023. Collection method: clinical testing. Allele origin: germline.
Comment: The c.1140+6T>C intronic variant results from a T to C substitution 6 nucleotides after coding exon 7 in the BRIP1 gene. This nucleotide position is well conserved in available vertebrate species. In silico splice site analysis predicts that this alteration will weaken the native splice donor site. RNA studies have demonstrated that this alteration results in abnormal splicing in the set of samples tested (Ambry internal data). This variant is considered to be rare based on population cohorts in the Genome Aggregation Database (gnomAD). Based on the majority of available evidence to date, this variant is likely to be pathogenic.